The following is an entry in ClinVar:

ClinVar aggregate classification (germline): Uncertain significance (1 of 4 stars; one submission).

Submission:

Labcorp Genetics (formerly Invitae), Labcorp
Classification: Uncertain significance. Last evaluated: 2022-04-02. Review status: criteria provided, single submitter. Criteria: Invitae Variant Classification Sherloc (09022015). Collection method: clinical testing. Allele origin: germline.
Comment: This sequence change replaces threonine, which is neutral and polar, with arginine, which is basic and polar, at codon 705 of the HPS5 protein (p.Thr705Arg). This variant is not present in population databases (gnomAD no frequency). This variant has not been reported in the literature in individuals affected with HPS5-related conditions. Algorithms developed to predict the effect of missense changes on protein structure and function (SIFT, PolyPhen-2, Align-GVGD) all suggest that this variant is likely to be tolerated. In summary, the available evidence is currently insufficient to determine the role of this variant in disease. Therefore, it has been classified as a Variant of Uncertain Significance.

NM_181507.2(HPS5):c.2114C>G (p.Thr705Arg)

Gene: HPS5 (HPS5 biogenesis of lysosomal organelles complex 2 subunit 2; minus strand). Cytogenetic location: 11p15.1.
Variant type: single nucleotide variant.
Coding change: c.2114C>G on transcript NM_181507.2 (MANE Select); coding-DNA position 2114, C replaced by G.
Protein change: p.Thr705Arg; replaces threonine 705 with arginine.
Molecular consequence: missense variant.
Genome position (GRCh38, 1-based): chr11:18,291,768, G>C on the plus strand (C>G on the coding strand, the complement: HPS5 is on the minus strand). VCF-style: chr11-18291768-G-C. GRCh37 (hg19) VCF-style: chr11-18313315-G-C.
Other names: c.1772C>G, p.Thr591Arg (NM_007216.4, NM_181508.2); short protein forms T705R, T591R.
Identifiers: ClinVar variation 2120911 (VCV002120911.4), dbSNP rs2494596692, ClinGen allele CA379489943.
Genomic context (GRCh38, chr11:18,291,768, plus strand): 5'-GAACATATTTGAAACAGGTCATCCAAAGACTCCCTTGGACTCCTTACACATTCACATGCT[G>C]TTTTATCAACAGATTCTTCATTGCCTAAAGAGTCCCTTTTTTCTTTTTCATTATCTTCAT-3'
Protein context (NP_852608.1, residues 695-715): SLGNEESVDK[Thr705Arg]ACECVRSPRE